The following is an entry in ClinVar:

ClinVar aggregate classification (germline): Benign/Likely benign. Review status: criteria provided, multiple submitters, no conflicts (2 of 4 stars). 5 submissions from 5 submitters: Benign (1); Likely benign (4). Last evaluated 2026-01-27.

Conditions:
Autosomal recessive limb-girdle muscular dystrophy type R18 (LGMDR18). Also called: Autosomal recessive limb-girdle muscular dystrophy type 2S; Limb-girdle muscular dystrophy, type 2S; MUSCULAR DYSTROPHY, LIMB-GIRDLE, AUTOSOMAL RECESSIVE 18. Identifiers: Orphanet 369840, MedGen C4517996, MONDO:0014144, OMIM 615356.

Allele frequency attached by ClinVar (database versions not stated): gnomAD exomes 0.00022 and 0.00072; ExAC 0.00089; ESP Exome Variant Server 0.00223; gnomAD 0.00243 and 0.00249; TOPMed 0.00270; 1000 Genomes Project 0.00439; 1000 Genomes Project 30x 0.00453.
gnomAD v4.1: 733 of 1,614,142 alleles (0.045%); highest among the groups gnomAD compares: African/African-American, 0.81%; 1 homozygote.

Submissions (5):

Labcorp Genetics (formerly Invitae), Labcorp
Classification: Benign for Autosomal recessive limb-girdle muscular dystrophy type R18. Last evaluated: 2026-01-27. Review status: criteria provided, single submitter. Criteria: Invitae Variant Classification Sherloc (09022015). Collection method: clinical testing. Allele origin: germline.

Blueprint Genetics
Classification: Likely benign. Last evaluated: 2024-11-06. Review status: criteria provided, single submitter. Criteria: ACMG Guidelines, 2015. Collection method: clinical testing. Allele origin: germline.

CeGaT Center for Human Genetics Tuebingen
Classification: Likely benign. Last evaluated: 2023-04-01. Review status: criteria provided, single submitter. Criteria: CeGaT Center For Human Genetics Tuebingen Variant Classification Criteria Version 2. Collection method: clinical testing. Allele origin: germline. Affected: yes. Observed: 1 variant allele.
Comment: TRAPPC11: BP4, BP7

GeneDx
Classification: Likely benign. Last evaluated: 2020-12-11. Review status: criteria provided, single submitter. Criteria: GeneDx Variant Classification Process June 2021. Collection method: clinical testing. Allele origin: germline. Affected: yes.

Athena Diagnostics
Classification: Likely benign. Last evaluated: 2018-02-06. Review status: criteria provided, single submitter. Criteria: Athena Diagnostics Criteria. Collection method: clinical testing. Allele origin: germline.

NM_021942.6(TRAPPC11):c.3273A>G (p.Pro1091=)

Gene: TRAPPC11 (trafficking protein particle complex subunit 11; plus strand). Cytogenetic location: 4q35.1.
Variant type: single nucleotide variant.
Coding change: c.3273A>G on transcript NM_021942.6 (MANE Select); coding-DNA position 3273, A replaced by G.
Protein change: p.Pro1091=; no amino-acid change (proline 1091 retained).
Molecular consequence: synonymous variant. On other transcripts: intron variant (1).
Genome position (GRCh38, 1-based): chr4:183,708,490, A>G. VCF-style: chr4-183708490-A-G. GRCh37 (hg19) VCF-style: chr4-184629643-A-G.
Other names: c.3200-46A>G (NM_199053.3).
Identifiers: ClinVar variation 448700 (VCV000448700.42), dbSNP rs113269326, ClinGen allele CA3152490.